The following is an entry in ClinVar:

NM_033380.3(COL4A5):c.1931G>T (p.Gly644Val)

Gene: COL4A5 (collagen type IV alpha 5 chain; plus strand). Cytogenetic location: Xq22.3.
Variant type: single nucleotide variant.
Coding change: c.1931G>T on transcript NM_033380.3 (MANE Select); coding-DNA position 1931, G replaced by T.
Protein change: p.Gly644Val; replaces glycine 644 with valine.
Molecular consequence: missense variant.
Genome position (GRCh38, 1-based): chrX:108,598,853, G>T. VCF-style: chrX-108598853-G-T. GRCh37 (hg19) VCF-style: chrX-107842083-G-T.
Other names: c.1931G>T, p.Gly644Val (NM_000495.5); short protein forms G644V.
Identifiers: ClinVar variation 3147610 (VCV003147610.1), dbSNP rs1569494386, ClinGen allele CA413845898.
Genomic context (GRCh38, chrX:108,598,853, plus strand): 5'-GTTTCGGCCCTCCAGGCCCAGTAGGTGAAAAAGGCATACAAGGTGTGGCAGGAAATCCAG[G>T]CCAGCCAGGAATACCAGGTAAGTTTACTGTGTTTTGTTTTAAACTTGGTGCTTAAAAACA-3'
Protein context (NP_203699.1, residues 634-654): KGIQGVAGNP[Gly644Val]QPGIPGPKGD

ClinVar aggregate classification (germline): Likely pathogenic (1 of 4 stars; one submission).

Conditions:
Inborn genetic diseases. Identifiers: MedGen C0950123, MeSH D030342.

Submission:

Ambry Genetics
Classification: Likely pathogenic for Inborn genetic diseases. Last evaluated: 2024-02-09. Review status: criteria provided, single submitter. Criteria: Ambry Variant Classification Scheme 2023. Collection method: clinical testing. Allele origin: germline.
Comment: The c.1931G>T (p.G644V) alteration is located in exon 25 (coding exon 25) of the COL4A5 gene. This alteration results from a G to T substitution at nucleotide position 1931, causing the glycine (G) at amino acid position 644 to be replaced by a valine (V). This variant was not reported in population-based cohorts in the Genome Aggregation Database (gnomAD). This variant was identified in one individual with hematuria, proteinuria, hearing loss, negative &alpha;5 chain staining in epidermal basement membrane, and thinning, thickening, and splitting of glomerular basement membrane (Zhang, 2019). This alteration is predicted to be deleterious by in silico analysis. Based on the available evidence, this alteration is classified as likely pathogenic.

Literature cited by the submitters: PubMed 30883042.